The following is an entry in ClinVar:

NM_004360.5(CDH1):c.2165-1G>T

Gene: CDH1 (cadherin 1; plus strand). Cytogenetic location: 16q22.1.
Variant type: single nucleotide variant.
Coding change: c.2165-1G>T on transcript NM_004360.5 (MANE Select); the canonical splice acceptor site of the intron before coding-DNA position 2165, G replaced by T.
Molecular consequence: splice acceptor variant.
Genome position (GRCh38, 1-based): chr16:68,828,173, G>T. VCF-style: chr16-68828173-G-T. GRCh37 (hg19) VCF-style: chr16-68862076-G-T.
Other names: c.617-1G>T (NM_001317185.2); c.200-1G>T (NM_001317186.2); c.1982-1G>T (NM_001317184.2).
Identifiers: ClinVar variation 617777 (VCV000617777.7), dbSNP rs1385720097, ClinGen allele CA396469216.

ClinVar aggregate classification (germline): Pathogenic/Likely pathogenic. Review status: criteria provided, multiple submitters, no conflicts (2 of 4 stars). 3 submissions from 3 submitters: Pathogenic (1); Likely pathogenic (2). Last evaluated 2025-01-27.

Conditions:
Hereditary cancer-predisposing syndrome. Also called: Neoplastic Syndromes, Hereditary; Hereditary neoplastic syndrome; Hereditary Cancer Syndrome; Tumor predisposition. Identifiers: Orphanet 140162, MedGen C0027672, MeSH D009386, MONDO:0015356.
Hereditary diffuse gastric adenocarcinoma (HDGC). Also called: DIFFUSE GASTRIC AND LOBULAR BREAST CANCER SYNDROME. Identifiers: Orphanet 26106, MedGen C1708349, MONDO:0007648, OMIM 137215.

Submissions (4):

Labcorp Genetics (formerly Invitae), Labcorp
Classification: Pathogenic for Hereditary diffuse gastric adenocarcinoma. Last evaluated: 2025-01-27. Review status: criteria provided, single submitter. Criteria: Invitae Variant Classification Sherloc (09022015). Collection method: clinical testing. Allele origin: germline.
Comment: This sequence change affects an acceptor splice site in intron 13 of the CDH1 gene. RNA analysis indicates that disruption of this splice site induces altered splicing and may result in an absent or altered protein product. This variant is not present in population databases (gnomAD no frequency). Disruption of this splice site has been observed in individual(s) with diffuse gastric cancer (internal data). ClinVar contains an entry for this variant (Variation ID: 617777). Studies have shown that disruption of this splice site results in activation of a cryptic splice site, and produces a non-functional protein and/or introduces a premature termination codon (internal data). For these reasons, this variant has been classified as Pathogenic.

Myriad Genetics, Inc.
Classification: Likely pathogenic for Hereditary diffuse gastric adenocarcinoma. Last evaluated: 2023-06-15. Review status: criteria provided, single submitter. Criteria: Myriad Autosomal Dominant, Autosomal Recessive and X-Linked Classification Criteria (2023). Collection method: clinical testing. Allele origin: unknown.
Comment: This variant is considered likely pathogenic. This variant occurs within a consensus splice junction and is predicted to result in abnormal mRNA splicing of either an out-of-frame exon or an in-frame exon necessary for protein stability and/or normal function.

Department of Molecular Diagnostics, Institute of Oncology Ljubljana
Classification: Likely pathogenic for Hereditary cancer-predisposing syndrome. Last evaluated: 2018-10-24. Review status: criteria provided, single submitter. Criteria: ACMG Guidelines, 2015. Collection method: clinical testing. Allele origin: germline. Affected: yes.

Dr. Peter K. Rogan Lab, Western University
No classification provided (evidence only). Condition: Familial cancer of breast. Review status: no classification provided. Collection method: in vitro. Allele origin: not applicable. Functional consequence: retained intron. Not counted in ClinVar's aggregate classification.